The following is an entry in ClinVar:

NM_000038.6(APC):c.6150del (p.Lys2052fs)

Gene: APC (APC regulator of Wnt signaling pathway; plus strand). Cytogenetic location: 5q22.2.
Variant type: Deletion.
Coding change: c.6150del on transcript NM_000038.6 (MANE Select); coding-DNA position 6150, one base deleted (G; older notation c.6150delG).
Protein change: p.Lys2052fs; shifts the reading frame from lysine 2052.
Molecular consequence: frameshift variant.
Genome position (GRCh38, 1-based): chr5:112,841,744, G deleted. VCF-style (leftmost placement, unchanged base first): chr5-112841743-AG-A. GRCh37 (hg19) VCF-style: chr5-112177440-AG-A.
Other names: c.6150del, p.Lys2052fs (NM_001127510.3, NM_001354895.2); c.6096del, p.Lys2034fs (NM_001127511.3); c.6204del, p.Lys2070fs (NM_001354896.2); c.6180del, p.Lys2062fs (NM_001354897.2); c.6075del, p.Lys2027fs (NM_001354898.2); c.6066del, p.Lys2024fs (NM_001354899.2); c.6027del, p.Lys2011fs (NM_001354900.2); c.5973del, p.Lys1993fs (NM_001354901.2); and 16 more; short protein forms K1769fs, K1892fs, K1926fs, K1961fs, K2011fs, K2027fs, K2062fs, K2024fs.
Identifiers: ClinVar variation 2016376 (VCV002016376.4), dbSNP rs2533694210, ClinGen allele CA2580072293.
Genomic context (GRCh38, chr5:112,841,743, plus strand): 5'-TTAGTATTGACTCTGAAGATGACCTGTTGCAGGAATGTATAAGCTCCGCAATGCCAAAAA[AG>A]AAAAAGCCTTCAAGACTCAAGGGTGATAATGAAAAACATAGTCCCAGAAATATGGGTGGC-3'

ClinVar aggregate classification (germline): Pathogenic (1 of 4 stars; one submission).

Conditions:
Familial adenomatous polyposis 1 (FAP1). Also called: FAMILIAL ADENOMATOUS POLYPOSIS 1, ATTENUATED; POLYPOSIS, ADENOMATOUS INTESTINAL. Identifiers: MedGen C2713442, MONDO:0021056, OMIM 175100. Disease mechanism: loss of function.

Submission:

Labcorp Genetics (formerly Invitae), Labcorp
Classification: Pathogenic for Familial adenomatous polyposis 1. Last evaluated: 2022-07-12. Review status: criteria provided, single submitter. Criteria: Invitae Variant Classification Sherloc (09022015). Collection method: clinical testing. Allele origin: germline.
Comment: This sequence change creates a premature translational stop signal (p.Lys2052Serfs*21) in the APC gene. While this is not anticipated to result in nonsense mediated decay, it is expected to disrupt the last 792 amino acid(s) of the APC protein. This variant is not present in population databases (gnomAD no frequency). This variant has not been reported in the literature in individuals affected with APC-related conditions. This variant disrupts a region of the APC protein in which other variant(s) (9824584, 1316610, 27081525, 8381579, 22135120, Invitae) have been determined to be pathogenic (p.Tyr2645Lysfs*14). This suggests that this is a clinically significant region of the protein, and that variants that disrupt it are likely to be disease-causing. For these reasons, this variant has been classified as Pathogenic.